The following is an entry in ClinVar:

ClinVar aggregate classification (germline): Uncertain significance (1 of 4 stars; one submission).

gnomAD v4.1: 6 of 1,614,018 alleles (0.00037%); highest among the groups gnomAD compares: African/African-American, 0.008%; no homozygotes.

Submission:

Labcorp Genetics (formerly Invitae), Labcorp
Classification: Uncertain significance. Last evaluated: 2024-02-13. Review status: criteria provided, single submitter. Criteria: Invitae Variant Classification Sherloc (09022015). Collection method: clinical testing. Allele origin: germline.
Comment: This sequence change replaces leucine, which is neutral and non-polar, with valine, which is neutral and non-polar, at codon 6 of the KIF20A protein (p.Leu6Val). This variant is not present in population databases (gnomAD no frequency). This variant has not been reported in the literature in individuals affected with KIF20A-related conditions. An algorithm developed to predict the effect of missense changes on protein structure and function (PolyPhen-2) suggests that this variant is likely to be tolerated. In summary, the available evidence is currently insufficient to determine the role of this variant in disease. Therefore, it has been classified as a Variant of Uncertain Significance.

NM_005733.3(KIF20A):c.16C>G (p.Leu6Val)

Gene: KIF20A (kinesin family member 20A; plus strand). Cytogenetic location: 5q31.2.
Variant type: single nucleotide variant.
Coding change: c.16C>G on transcript NM_005733.3 (MANE Select); coding-DNA position 16, C replaced by G.
Protein change: p.Leu6Val; replaces leucine 6 with valine.
Molecular consequence: missense variant.
Genome position (GRCh38, 1-based): chr5:138,179,696, C>G. VCF-style: chr5-138179696-C-G. GRCh37 (hg19) VCF-style: chr5-137515385-C-G.
Other names: short protein forms L6V.
Identifiers: ClinVar variation 3688027 (VCV003688027.2).